The following is an entry in ClinVar:

ClinVar aggregate classification (germline): Uncertain significance (1 of 4 stars; one submission).

Allele frequency attached by ClinVar (database versions not stated): TOPMed below 0.00001; gnomAD 0.00001; 1000 Genomes Project 30x 0.00016; 1000 Genomes Project 0.00020.
gnomAD v4.1: 2 of 1,612,474 alleles (0.00012%); highest among the groups gnomAD compares: Non-Finnish European, 0.00017%; no homozygotes.

Submission:

GeneDx
Classification: Uncertain significance. Last evaluated: 2020-01-27. Review status: criteria provided, single submitter. Criteria: GeneDx Variant Classification Process June 2021. Collection method: clinical testing. Allele origin: germline. Affected: yes.
Comment: Not observed in large population cohorts (Lek et al., 2016); Missense variant in a gene in which most reported pathogenic variants are truncating/loss-of-function; Has not been previously published as pathogenic or benign to our knowledge

NM_001267550.2(TTN):c.49295G>A (p.Gly16432Asp)

Genes: TTN (titin; minus strand), TTN-AS1 (TTN antisense RNA 1; plus strand). Cytogenetic location: 2q31.2.
Variant type: single nucleotide variant.
Coding change: c.49295G>A on transcript NM_001267550.2 (MANE Select); coding-DNA position 49295, G replaced by A.
Protein change: p.Gly16432Asp; replaces glycine 16432 with aspartic acid.
Molecular consequence: missense variant. On other transcripts: non-coding transcript variant (1).
Genome position (GRCh38, 1-based): chr2:178,614,102, C>T on the plus strand (G>A on the coding strand, the complement: TTN is on the minus strand). VCF-style: chr2-178614102-C-T. GRCh37 (hg19) VCF-style: chr2-179478829-C-T.
Other names: c.44372G>A, p.Gly14791Asp (NM_001256850.1); c.22100G>A, p.Gly7367Asp (NM_003319.4); c.41591G>A, p.Gly13864Asp (NM_133378.4); c.22475G>A, p.Gly7492Asp (NM_133432.3); c.22676G>A, p.Gly7559Asp (NM_133437.4); short protein forms G13864D, G14791D, G16432D, G7367D, G7492D, G7559D.
Identifiers: ClinVar variation 1313301 (VCV001313301.2), dbSNP rs547225882, ClinGen allele CA60987265.